The following is an entry in ClinVar:

NM_001378452.1(ITPR1):c.5353+5G>A

Gene: ITPR1 (inositol 1,4,5-trisphosphate receptor type 1; plus strand). Cytogenetic location: 3p26.1.
Variant type: single nucleotide variant.
Coding change: c.5353+5G>A on transcript NM_001378452.1 (MANE Select); 5 bases into the intron after coding-DNA position 5353, G replaced by A.
Molecular consequence: intron variant.
Genome position (GRCh38, 1-based): chr3:4,733,225, G>A. VCF-style: chr3-4733225-G-A. GRCh37 (hg19) VCF-style: chr3-4774909-G-A.
Other names: c.5209+5G>A (NM_001099952.4); c.5308+5G>A (NM_001168272.2); c.5164+5G>A (NM_002222.7).
Identifiers: ClinVar variation 1902506 (VCV001902506.8), dbSNP rs758211415, ClinGen allele CA2232292.

ClinVar aggregate classification (germline): Uncertain significance. Review status: criteria provided, multiple submitters, no conflicts (2 of 4 stars). 2 submissions from 2 submitters: Uncertain significance (2). Last evaluated 2025-11-13.

Allele frequency attached by ClinVar (database versions not stated): gnomAD exomes 0.00002; TOPMed 0.00008; ExAC 0.00003; gnomAD 0.00005.
gnomAD v4.1: 40 of 1,613,768 alleles (0.0025%); highest among the groups gnomAD compares: Admixed American, 0.027%; no homozygotes.

Submissions (2):

Women's Health and Genetics/Laboratory Corporation of America, LabCorp
Classification: Uncertain significance. Last evaluated: 2025-11-13. Review status: criteria provided, single submitter. Criteria: LabCorp Variant Classification Summary - May 2015. Collection method: clinical testing. Allele origin: germline.
Comment: Variant summary: ITPR1 c.5164+5G>A alters a nucleotide located close to a canonical splice site and therefore could affect mRNA splicing, leading to a significantly altered protein sequence. Several computational tools predict a significant impact on normal splicing: Two predict the variant abolishes a 5' splicing donor site. Two predict the variant weakens a 5' donor site. However, these predictions have yet to be confirmed by functional studies. The variant allele was found at a frequency of 5.2e-05 in 248830 control chromosomes. This frequency is not significantly higher than estimated for disease-causing variants in ITPR1, allowing no conclusion about variant significance. To our knowledge, no occurrence of c.5164+5G>A in individuals affected with ITPR1-related conditions and no experimental evidence demonstrating its impact on protein function have been reported. ClinVar contains an entry for this variant (Variation ID: 1902506). Based on the evidence outlined above, the variant was classified as uncertain significance.

Labcorp Genetics (formerly Invitae), Labcorp
Classification: Uncertain significance. Last evaluated: 2025-07-22. Review status: criteria provided, single submitter. Criteria: Invitae Variant Classification Sherloc (09022015). Collection method: clinical testing. Allele origin: germline.
Comment: This sequence change falls in intron 39 of the ITPR1 gene. It does not directly change the encoded amino acid sequence of the ITPR1 protein. It affects a nucleotide within the consensus splice site. This variant is present in population databases (rs758211415, gnomAD 0.02%). This variant has not been reported in the literature in individuals affected with ITPR1-related conditions. ClinVar contains an entry for this variant (Variation ID: 1902506). Variants that disrupt the consensus splice site are a relatively common cause of aberrant splicing (PMID: 17576681, 9536098). Algorithms developed to predict the effect of sequence changes on RNA splicing suggest that this variant is not likely to affect RNA splicing. In summary, the available evidence is currently insufficient to determine the role of this variant in disease. Therefore, it has been classified as a Variant of Uncertain Significance.

Literature cited by the submitters: PubMed 17576681 (cited by Labcorp Genetics (formerly Invitae), Labcorp); PubMed 9536098 (cited by Labcorp Genetics (formerly Invitae), Labcorp).